The following is an entry in ClinVar:

NM_001205293.3(CACNA1E):c.5632T>G (p.Tyr1878Asp)

Gene: CACNA1E (calcium voltage-gated channel subunit alpha1 E; plus strand). Cytogenetic location: 1q25.3.
Variant type: single nucleotide variant.
Coding change: c.5632T>G on transcript NM_001205293.3 (MANE Select); coding-DNA position 5632, T replaced by G.
Protein change: p.Tyr1878Asp; replaces tyrosine 1878 with aspartic acid.
Molecular consequence: missense variant.
Genome position (GRCh38, 1-based): chr1:181,785,371, T>G. VCF-style: chr1-181785371-T-G. GRCh37 (hg19) VCF-style: chr1-181754507-T-G.
Other names: c.5632T>G, p.Tyr1878Asp (NM_000721.4); c.5575T>G, p.Tyr1859Asp (NM_001205294.2); short protein forms Y1859D, Y1878D.
Identifiers: ClinVar variation 3369389 (VCV003369389.1).

ClinVar aggregate classification (germline): Uncertain significance (1 of 4 stars; one submission).

Submission:

GeneDx
Classification: Uncertain significance. Last evaluated: 2024-02-21. Review status: criteria provided, single submitter. Criteria: GeneDx Variant Classification Process June 2021. Collection method: clinical testing. Allele origin: germline. Affected: yes.
Comment: Not observed at significant frequency in large population cohorts (gnomAD); In silico analysis supports that this missense variant has a deleterious effect on protein structure/function; Has not been previously published as pathogenic or benign to our knowledge